The following is an entry in ClinVar:

ClinVar aggregate classification (germline): Uncertain significance. Review status: criteria provided, multiple submitters, no conflicts (2 of 4 stars). 2 submissions from 2 submitters: Uncertain significance (2). Last evaluated 2025-07-07.

Conditions:
Melanoma, cutaneous malignant, susceptibility to, 5. Also called: Cutaneous malignant melanoma 5. Identifiers: Orphanet 618, MedGen C2751295, MONDO:0013133, OMIM 613099.

Allele frequency attached by ClinVar (database versions not stated): gnomAD 0.00001 and 0.00002; ExAC 0.00003; TOPMed 0.00005.

Submissions (2):

Labcorp Genetics (formerly Invitae), Labcorp
Classification: Uncertain significance for Melanoma, cutaneous malignant, susceptibility to, 5. Last evaluated: 2025-07-07. Review status: criteria provided, single submitter. Criteria: Invitae Variant Classification Sherloc (09022015). Collection method: clinical testing. Allele origin: germline.
Comment: This sequence change replaces valine, which is neutral and non-polar, with methionine, which is neutral and non-polar, at codon 205 of the MC1R protein (p.Val205Met). This variant is present in population databases (rs749525002, gnomAD 0.005%). This missense change has been observed in individual(s) with melanoma and basal cell carcinoma of skin (PMID: 16809487, 18067130). ClinVar contains an entry for this variant (Variation ID: 470708). Invitae Evidence Modeling of protein sequence and biophysical properties (such as structural, functional, and spatial information, amino acid conservation, physicochemical variation, residue mobility, and thermodynamic stability) indicates that this missense variant is not expected to disrupt MC1R protein function with a negative predictive value of 80%. In summary, the available evidence is currently insufficient to determine the role of this variant in disease. Therefore, it has been classified as a Variant of Uncertain Significance.

Blueprint Genetics
Classification: Uncertain significance. Last evaluated: 2023-08-01. Review status: criteria provided, single submitter. Criteria: ACMG Guidelines, 2015. Collection method: clinical testing. Allele origin: germline.

Literature cited by the submitters: PubMed 16809487 (cited by Labcorp Genetics (formerly Invitae), Labcorp); PubMed 18067130 (cited by Labcorp Genetics (formerly Invitae), Labcorp).

NM_002386.4(MC1R):c.613G>A (p.Val205Met)

Gene: MC1R (melanocortin 1 receptor; plus strand). Cytogenetic location: 16q24.3.
Variant type: single nucleotide variant.
Coding change: c.613G>A on transcript NM_002386.4 (MANE Select); coding-DNA position 613, G replaced by A.
Protein change: p.Val205Met; replaces valine 205 with methionine.
Molecular consequence: missense variant.
Genome position (GRCh38, 1-based): chr16:89,919,871, G>A. VCF-style: chr16-89919871-G-A. GRCh37 (hg19) VCF-style: chr16-89986279-G-A.
Other names: short protein forms V205M.
Identifiers: ClinVar variation 470708 (VCV000470708.11), dbSNP rs749525002, ClinGen allele CA8255680.
Genomic context (GRCh38, chr16:89,919,871, plus strand): 5'-CACGTGGCCGTCCTGCTGTGCCTCGTGGTCTTCTTCCTGGCTATGCTGGTGCTCATGGCC[G>A]TGCTGTACGTCCACATGCTGGCCCGGGCCTGCCAGCACGCCCAGGGCATCGCCCGGCTCC-3'
Protein context (NP_002377.4, residues 195-215): FFLAMLVLMA[Val205Met]LYVHMLARAC